The following is an entry in ClinVar:

ClinVar aggregate classification (germline): Uncertain significance (1 of 4 stars; one submission).

Submission:

Labcorp Genetics (formerly Invitae), Labcorp
Classification: Uncertain significance. Last evaluated: 2022-04-22. Review status: criteria provided, single submitter. Criteria: Invitae Variant Classification Sherloc (09022015). Collection method: clinical testing. Allele origin: germline.
Comment: In summary, the available evidence is currently insufficient to determine the role of this variant in disease. Therefore, it has been classified as a Variant of Uncertain Significance. A copy number gain of the genomic region encompassing the full coding sequence of the TRAPPC3 gene has been identified. The boundaries of this event are unknown as they extend beyond the assayed region for this gene and therefore may encompass additional genes. As the precise location of this event is unknown, it may be in tandem or it may be located elsewhere in the genome. This variant has not been reported in the literature in individuals affected with TRAPPC3-related conditions.

NC_000001.10:g.(?_36602804)_(36614979_?)dup

Gene: TRAPPC3 (trafficking protein particle complex subunit 3; minus strand). Cytogenetic location: 1p34.3.
Variant type: Duplication.
Identifiers: ClinVar variation 2424057 (VCV002424057.4).